The following is an entry in ClinVar:

ClinVar aggregate classification (germline): Likely pathogenic. Review status: criteria provided, single submitter (1 of 4 stars). 2 submissions from 2 submitters: Likely pathogenic (1). 1 of the submissions does not count toward it. Last evaluated 2021-04-13.

Conditions:
Immunodeficiency 72 with autoinflammation. Also called: IMMUNODEFICIENCY 72 WITH AUTOINFLAMMATION AND LYMPHOPROLIFERATION. Identifiers: MedGen C5436540, MONDO:0033551, OMIM 618982.

Submissions (2):

SIB Swiss Institute of Bioinformatics
Classification: Likely pathogenic for Immunodeficiency 72 with autoinflammation. Last evaluated: 2021-04-13. Review status: criteria provided, single submitter. Criteria: ACMG Guidelines, 2015. Collection method: curation. Allele origin: unknown.
Comment: This variant is interpreted as likely pathogenic for Immunodeficiency 72 with autoinflammation, autosomal recessive. The following ACMG Tag(s) were applied: Absent from controls (or at extremely low frequency if recessive) in Exome Sequencing Project, 1000 Genomes Project, or Exome Aggregation Consortium (PM2); Well-established functional studies show a deleterious effect (PS3); For recessive disorders, detected in trans with a likely pathogenic/pathogenic variant (PM3).

OMIM
Classification: Pathogenic for IMMUNODEFICIENCY 72 WITH AUTOINFLAMMATION AND LYMPHOPROLIFERATION. Last evaluated: 2023-03-15. Review status: no assertion criteria provided. Collection method: literature only. Allele origin: germline. Not counted in ClinVar's aggregate classification.

Literature cited by the submitters: PubMed 32647003 (cited by SIB Swiss Institute of Bioinformatics and OMIM).

NM_005337.5(NCKAP1L):c.1555G>C (p.Val519Leu)

Gene: NCKAP1L (NCK associated protein 1 like; plus strand). Cytogenetic location: 12q13.2.
Variant type: single nucleotide variant.
Coding change: c.1555G>C on transcript NM_005337.5 (MANE Select); coding-DNA position 1555, G replaced by C.
Protein change: p.Val519Leu; replaces valine 519 with leucine.
Molecular consequence: missense variant.
Genome position (GRCh38, 1-based): chr12:54,519,262, G>C. VCF-style: chr12-54519262-G-C. GRCh37 (hg19) VCF-style: chr12-54913046-G-C.
Other names: c.1405G>C, p.Val469Leu (NM_001184976.2); short protein forms V519L, V469L.
Identifiers: ClinVar variation 976847 (VCV000976847.3), dbSNP rs1956961224, ClinGen allele CA385137449.
Genomic context (GRCh38, chr12:54,519,262, plus strand): 5'-GCTAAGGCCCCTCTGCACCTGCATGAGAACCCTGACTTAGCCAAGGTGATGAACCTCATT[G>C]TCTTCCACTCCCGAATGCTGGACTCCGTAGAAAAATTGCTGGTGGAAACTTCTGATCTGT-3'
Protein context (NP_005328.2, residues 509-529): PDLAKVMNLI[Val519Leu]FHSRMLDSVE